The following is an entry in ClinVar:

ClinVar aggregate classification (germline): Uncertain significance. Review status: criteria provided, multiple submitters, no conflicts (2 of 4 stars). 3 submissions from 3 submitters: Uncertain significance (3). Last evaluated 2024-08-07.

Conditions:
Familial hypobetalipoproteinemia 1. Also called: APOB-Related Familial Hypobetalipoproteinemia; Hypobetalipoproteinemia, normotriglyceridemic; Acanthocytosis with hypobetalipoproteinemia. Identifiers: MedGen C4551990, MONDO:0014252, OMIM 615558.
Hypercholesterolemia, autosomal dominant, type B (FHCL2). Also called: Hyperlipoproteinemia Type IIb; Familial hypercholesterolemia 2; Familial Hypercholesterolemia Type B; APOLIPOPROTEIN B-100, FAMILIAL DEFECTIVE; APOLIPOPROTEIN B-100, FAMILIAL LIGAND-DEFECTIVE; HYPERCHOLESTEROLEMIA, FAMILIAL, DUE TO LIGAND-DEFECTIVE APOLIPOPROTEIN B. Identifiers: MedGen C1704417, MONDO:0007751, OMIM 144010.
Cardiovascular phenotype. Identifiers: MedGen CN230736.

Allele frequency attached by ClinVar (database versions not stated): gnomAD exomes below 0.00001; TOPMed 0.00001.
gnomAD v4.1: 5 of 1,614,088 alleles (0.00031%); highest among the groups gnomAD compares: Middle Eastern, 0.016%; no homozygotes.

Submissions (3):

GeneDx
Classification: Uncertain significance. Last evaluated: 2024-08-07. Review status: criteria provided, single submitter. Criteria: GeneDx Variant Classification Process June 2021. Collection method: clinical testing. Allele origin: germline. Affected: yes.
Comment: Not observed at significant frequency in large population cohorts (gnomAD); In silico analysis supports that this missense variant has a deleterious effect on protein structure/function; Has not been previously published as pathogenic or benign to our knowledge; Also known as E2775V

Ambry Genetics
Classification: Uncertain significance for Cardiovascular phenotype. Last evaluated: 2024-03-24. Review status: criteria provided, single submitter. Criteria: Ambry Variant Classification Scheme 2023. Collection method: clinical testing. Allele origin: germline.
Comment: The p.E2802V variant (also known as c.8405A>T), located in coding exon 26 of the APOB gene, results from an A to T substitution at nucleotide position 8405. The glutamic acid at codon 2802 is replaced by valine, an amino acid with dissimilar properties. This amino acid position is not well conserved in available vertebrate species. In addition, this alteration is predicted to be tolerated by in silico analysis. Since supporting evidence is limited at this time, the clinical significance of this alteration remains unclear.

Labcorp Genetics (formerly Invitae), Labcorp
Classification: Uncertain significance for Familial hypobetalipoproteinemia 1; Hypercholesterolemia, autosomal dominant, type B. Last evaluated: 2023-05-15. Review status: criteria provided, single submitter. Criteria: Invitae Variant Classification Sherloc (09022015). Collection method: clinical testing. Allele origin: germline.
Comment: In summary, the available evidence is currently insufficient to determine the role of this variant in disease. Therefore, it has been classified as a Variant of Uncertain Significance. Advanced modeling of protein sequence and biophysical properties (such as structural, functional, and spatial information, amino acid conservation, physicochemical variation, residue mobility, and thermodynamic stability) performed at Invitae indicates that this missense variant is not expected to disrupt APOB protein function. ClinVar contains an entry for this variant (Variation ID: 1763260). This variant has not been reported in the literature in individuals affected with APOB-related conditions. This variant is not present in population databases (gnomAD no frequency). This sequence change replaces glutamic acid, which is acidic and polar, with valine, which is neutral and non-polar, at codon 2802 of the APOB protein (p.Glu2802Val).

NM_000384.3(APOB):c.8405A>T (p.Glu2802Val)

Gene: APOB (apolipoprotein B; minus strand). Cytogenetic location: 2p24.1.
Variant type: single nucleotide variant.
Coding change: c.8405A>T on transcript NM_000384.3 (MANE Select); coding-DNA position 8405, A replaced by T.
Protein change: p.Glu2802Val; replaces glutamic acid 2802 with valine.
Molecular consequence: missense variant.
Genome position (GRCh38, 1-based): chr2:21,008,463, T>A on the plus strand (A>T on the coding strand, the complement: APOB is on the minus strand). VCF-style: chr2-21008463-T-A. GRCh37 (hg19) VCF-style: chr2-21231335-T-A.
Other names: short protein forms E2802V.
Identifiers: ClinVar variation 1763260 (VCV001763260.9), dbSNP rs1663211596, ClinGen allele CA345994239.